The following is an entry in ClinVar:

ClinVar aggregate classification (germline): Uncertain significance (1 of 4 stars; one submission).

Allele frequency attached by ClinVar (database versions not stated): gnomAD exomes 0.00001; TOPMed 0.00002; gnomAD 0.00003; ExAC 0.00007; 1000 Genomes Project 0.00020; 1000 Genomes Project 30x 0.00031.

Submission:

Labcorp Genetics (formerly Invitae), Labcorp
Classification: Uncertain significance. Last evaluated: 2024-10-14. Review status: criteria provided, single submitter. Criteria: Invitae Variant Classification Sherloc (09022015). Collection method: clinical testing. Allele origin: germline.
Comment: This sequence change replaces glutamine, which is neutral and polar, with arginine, which is basic and polar, at codon 389 of the TULP1 protein (p.Gln389Arg). This variant is present in population databases (rs547896346, gnomAD 0.03%). This variant has not been reported in the literature in individuals affected with TULP1-related conditions. ClinVar contains an entry for this variant (Variation ID: 2084496). Invitae Evidence Modeling of protein sequence and biophysical properties (such as structural, functional, and spatial information, amino acid conservation, physicochemical variation, residue mobility, and thermodynamic stability) has been performed for this missense variant. However, the output from this modeling did not meet the statistical confidence thresholds required to predict the impact of this variant on TULP1 protein function. In summary, the available evidence is currently insufficient to determine the role of this variant in disease. Therefore, it has been classified as a Variant of Uncertain Significance.

NM_003322.6(TULP1):c.1166A>G (p.Gln389Arg)

Gene: TULP1 (TUB like protein 1; minus strand). Cytogenetic location: 6p21.31.
Variant type: single nucleotide variant.
Coding change: c.1166A>G on transcript NM_003322.6 (MANE Select); coding-DNA position 1166, A replaced by G.
Protein change: p.Gln389Arg; replaces glutamine 389 with arginine.
Molecular consequence: missense variant.
Genome position (GRCh38, 1-based): chr6:35,503,795, T>C on the plus strand (A>G on the coding strand, the complement: TULP1 is on the minus strand). VCF-style: chr6-35503795-T-C. GRCh37 (hg19) VCF-style: chr6-35471572-T-C.
Other names: c.1007A>G, p.Gln336Arg (NM_001289395.2); short protein forms Q336R, Q389R.
Identifiers: ClinVar variation 2084496 (VCV002084496.2), dbSNP rs547896346, ClinGen allele CA3772634.